The following is an entry in ClinVar:

NM_206933.4(USH2A):c.8021C>A (p.Thr2674Asn)

Gene: USH2A (usherin; minus strand). Cytogenetic location: 1q41.
Variant type: single nucleotide variant.
Coding change: c.8021C>A on transcript NM_206933.4 (MANE Select); coding-DNA position 8021, C replaced by A.
Protein change: p.Thr2674Asn; replaces threonine 2674 with asparagine.
Molecular consequence: missense variant.
Genome position (GRCh38, 1-based): chr1:215,888,628, G>T on the plus strand (C>A on the coding strand, the complement: USH2A is on the minus strand). VCF-style: chr1-215888628-G-T. GRCh37 (hg19) VCF-style: chr1-216061970-G-T.
Other names: c.8021C>A (NM_206933.2); short protein forms T2674N.
Identifiers: ClinVar variation 1411191 (VCV001411191.5), dbSNP rs754677752, ClinGen allele CA1394701.

ClinVar aggregate classification (germline): Uncertain significance. Review status: criteria provided, multiple submitters, no conflicts (2 of 4 stars). 5 submissions from 4 submitters: Uncertain significance (5). Last evaluated 2025-07-02.

Conditions:
Inborn genetic diseases. Identifiers: MedGen C0950123, MeSH D030342.
Usher syndrome type 2A. Also called: RETINAL DISEASE IN USHER SYNDROME TYPE IIA, MODIFIER OF; USHER SYNDROME, TYPE IIA. Identifiers: Orphanet 231178, Orphanet 886, MedGen C1848634, MONDO:0010169, OMIM 276901.
Retinitis pigmentosa 39 (RP39). Identifiers: Orphanet 791, MedGen C3151138, MONDO:0013436, OMIM 613809.

Allele frequency attached by ClinVar (database versions not stated): gnomAD exomes below 0.00001 and 0.00001; TOPMed below 0.00001; ExAC 0.00001; gnomAD 0.00001.
gnomAD v4.1: 4 of 1,614,080 alleles (0.00025%); highest among the groups gnomAD compares: Admixed American, 0.0017%; no homozygotes.

Submissions (5):

Ambry Genetics
Classification: Uncertain significance for Inborn genetic diseases. Last evaluated: 2025-07-02. Review status: criteria provided, single submitter. Criteria: Ambry Variant Classification Scheme 2023. Collection method: clinical testing. Allele origin: germline.

Genome-Nilou Lab
Classification: Uncertain significance for Retinitis pigmentosa 39. Last evaluated: 2023-11-04. Review status: criteria provided, single submitter. Criteria: ACMG Guidelines, 2015. Collection method: clinical testing. Allele origin: germline. Affected: no.

Genome-Nilou Lab
Classification: Uncertain significance for Usher syndrome type 2A. Last evaluated: 2023-11-04. Review status: criteria provided, single submitter. Criteria: ACMG Guidelines, 2015. Collection method: clinical testing. Allele origin: germline. Affected: no.

Labcorp Genetics (formerly Invitae), Labcorp
Classification: Uncertain significance. Last evaluated: 2022-10-13. Review status: criteria provided, single submitter. Criteria: Invitae Variant Classification Sherloc (09022015). Collection method: clinical testing. Allele origin: germline.
Comment: This sequence change replaces threonine, which is neutral and polar, with asparagine, which is neutral and polar, at codon 2674 of the USH2A protein (p.Thr2674Asn). This variant is present in population databases (rs754677752, gnomAD 0.002%). This variant has not been reported in the literature in individuals affected with USH2A-related conditions. ClinVar contains an entry for this variant (Variation ID: 1411191). Advanced modeling of protein sequence and biophysical properties (such as structural, functional, and spatial information, amino acid conservation, physicochemical variation, residue mobility, and thermodynamic stability) performed at Invitae indicates that this missense variant is not expected to disrupt USH2A protein function. In summary, the available evidence is currently insufficient to determine the role of this variant in disease. Therefore, it has been classified as a Variant of Uncertain Significance.

Fulgent Genetics
Classification: Uncertain significance for Usher syndrome type 2A; Retinitis pigmentosa 39. Last evaluated: 2021-08-24. Review status: criteria provided, single submitter. Criteria: ACMG Guidelines, 2015. Collection method: clinical testing. Allele origin: unknown.